The following is an entry in ClinVar:

ClinVar aggregate classification (germline): Uncertain significance. Review status: criteria provided, multiple submitters, no conflicts (2 of 4 stars). 2 submissions from 2 submitters: Uncertain significance (2). Last evaluated 2025-06-25.

Conditions:
Inborn genetic diseases. Identifiers: MedGen C0950123, MeSH D030342.

Allele frequency attached by ClinVar (database versions not stated): ExAC 0.00002.
gnomAD v4.1: 37 of 1,613,430 alleles (0.0023%); highest among the groups gnomAD compares: Non-Finnish European, 0.0031%; no homozygotes.

Submissions (2):

Ambry Genetics
Classification: Uncertain significance for Inborn genetic diseases. Last evaluated: 2025-06-25. Review status: criteria provided, single submitter. Criteria: Ambry Variant Classification Scheme 2023. Collection method: clinical testing. Allele origin: germline.

Labcorp Genetics (formerly Invitae), Labcorp
Classification: Uncertain significance. Last evaluated: 2023-03-10. Review status: criteria provided, single submitter. Criteria: Invitae Variant Classification Sherloc (09022015). Collection method: clinical testing. Allele origin: germline.
Comment: This variant has not been reported in the literature in individuals affected with SEC24D-related conditions. In summary, the available evidence is currently insufficient to determine the role of this variant in disease. Therefore, it has been classified as a Variant of Uncertain Significance. An algorithm developed to predict the effect of missense changes on protein structure and function (PolyPhen-2) suggests that this variant is likely to be disruptive. ClinVar contains an entry for this variant (Variation ID: 1939268). This variant is present in population databases (rs752649946, gnomAD 0.002%). This sequence change replaces threonine, which is neutral and polar, with lysine, which is basic and polar, at codon 782 of the SEC24D protein (p.Thr782Lys).

NM_014822.4(SEC24D):c.2345C>A (p.Thr782Lys)

Gene: SEC24D (SEC24 homolog D, COPII component; minus strand). Cytogenetic location: 4q26.
Variant type: single nucleotide variant.
Coding change: c.2345C>A on transcript NM_014822.4 (MANE Select); coding-DNA position 2345, C replaced by A.
Protein change: p.Thr782Lys; replaces threonine 782 with lysine.
Molecular consequence: missense variant.
Genome position (GRCh38, 1-based): chr4:118,739,181, G>T on the plus strand (C>A on the coding strand, the complement: SEC24D is on the minus strand). VCF-style: chr4-118739181-G-T. GRCh37 (hg19) VCF-style: chr4-119660336-G-T.
Other names: c.2348C>A, p.Thr783Lys (NM_001318066.2); c.2345C>A (NM_014822.2); short protein forms T783K, T782K.
Identifiers: ClinVar variation 1939268 (VCV001939268.6), dbSNP rs752649946, ClinGen allele CA3057006.